The following is an entry in ClinVar:

NM_001394966.1(NEK10):c.382C>T (p.Pro128Ser)

Gene: NEK10 (NIMA related kinase 10; minus strand). Cytogenetic location: 3p24.1.
Variant type: single nucleotide variant.
Coding change: c.382C>T on transcript NM_001394966.1 (MANE Select); coding-DNA position 382, C replaced by T.
Protein change: p.Pro128Ser; replaces proline 128 with serine.
Molecular consequence: missense variant.
Genome position (GRCh38, 1-based): chr3:27,322,242, G>A on the plus strand (C>T on the coding strand, the complement: NEK10 is on the minus strand). VCF-style: chr3-27322242-G-A. GRCh37 (hg19) VCF-style: chr3-27363733-G-A.
Other names: c.382C>T, p.Pro128Ser (NM_001394963.1, NM_001394964.1, NM_001394965.1 and 7 more transcripts); short protein forms P128S.
Identifiers: ClinVar variation 3235018 (VCV003235018.1), dbSNP rs2470532874, ClinGen allele CA351910271.

ClinVar aggregate classification (germline): Uncertain significance (1 of 4 stars; one submission).

Conditions:
Ciliary dyskinesia, primary, 44. Also called: CILIARY DYSKINESIA, PRIMARY, 44, WITHOUT SITUS INVERSUS. Identifiers: MedGen C5394063, MONDO:0032914, OMIM 618781.

Submission:

Neuberg Centre For Genomic Medicine, NCGM
Classification: Uncertain significance for Ciliary dyskinesia, primary, 44. Review status: criteria provided, single submitter. Criteria: ACMG Guidelines, 2015. Collection method: clinical testing. Allele origin: germline. Inheritance: Autosomal recessive inheritance. Affected: yes.
Comment: The missense c.382C>Tp.Pro128Ser variant in NEK10 gene has not been reported previously as a pathogenic variant nor as a benign variant, to our knowledge. This variant is novel not in any individuals in gnomAD Exomes and 1000 Genomes. The amino acid Pro at position 128 is changed to a Ser changing protein sequence and it might alter its composition and physico-chemical properties. The amino acid change p.Pro128Ser in NEK10 is predicted as conserved by GERP++ and PhyloP across 100 vertebrates. For these reasons, this variant has been classified as Uncertain Significance.